The following is an entry in ClinVar:

NM_001845.6(COL4A1):c.3323C>T (p.Pro1108Leu)

Gene: COL4A1 (collagen type IV alpha 1 chain; minus strand). Cytogenetic location: 13q34.
Variant type: single nucleotide variant.
Coding change: c.3323C>T on transcript NM_001845.6 (MANE Select); coding-DNA position 3323, C replaced by T.
Protein change: p.Pro1108Leu; replaces proline 1108 with leucine.
Molecular consequence: missense variant.
Genome position (GRCh38, 1-based): chr13:110,174,625, G>A on the plus strand (C>T on the coding strand, the complement: COL4A1 is on the minus strand). VCF-style: chr13-110174625-G-A. GRCh37 (hg19) VCF-style: chr13-110826972-G-A.
Other names: c.3323C>T (NM_001845.4); short protein forms P1108L.
Identifiers: ClinVar variation 3575700 (VCV003575700.2).

ClinVar aggregate classification (germline): Uncertain significance. Review status: criteria provided, multiple submitters, no conflicts (2 of 4 stars). 2 submissions from 2 submitters: Uncertain significance (2). Last evaluated 2026-06-17.

Conditions:
Inborn genetic diseases. Identifiers: MedGen C0950123, MeSH D030342.
Autosomal dominant familial hematuria-retinal arteriolar tortuosity-contractures syndrome. Also called: Angiopathy, hereditary, with nephropathy, aneurysms, and muscle cramps; Hereditary Angiopathy with Nephropathy, Aneurysms, and Muscle Cramps (HANAC) Syndrome. Identifiers: Orphanet 73229, MedGen C2673195, MONDO:0012726, OMIM 611773.
Brain small vessel disease 1 with or without ocular anomalies (BSVD1). Also called: BRAIN SMALL VESSEL DISEASE WITH HEMORRHAGE; GOULD SYNDROME 1; PORENCEPHALY, TYPE 1, AUTOSOMAL DOMINANT; Brain small vessel disease with or without ocular anomalies. Identifiers: Orphanet 2940, Orphanet 36383, Orphanet 99810, MedGen C4755307, MONDO:0008289, OMIM 175780.
Hemorrhage, intracerebral, susceptibility to (ICH). Also called: Stroke, hemorrhagic, susceptibility to. Identifiers: MedGen C3281105, MONDO:0100533, OMIM 614519.
Retinal arterial tortuosity. Also called: RETINAL HEMORRHAGE WITH VASCULAR TORTUOSITY; Retinal arteries, tortuosity of. Identifiers: Orphanet 75326, MedGen C0423401, MONDO:0008373, OMIM 180000, HP:0000631.
Microangiopathy and leukoencephalopathy, pontine, autosomal dominant. Also called: DEMENTIA, HEREDITARY MULTI-INFARCT, SWEDISH TYPE; Pontine autosomal dominant microangiopathy with leukoencephalopathy. Identifiers: Orphanet 477749, MedGen C5231411, MONDO:0032814, OMIM 618564.

gnomAD v4.1: 3 of 1,613,976 alleles (0.00019%); highest among the groups gnomAD compares: South Asian, 0.0022%; no homozygotes.

Submissions (2):

Ambry Genetics
Classification: Uncertain significance for Inborn genetic diseases. Last evaluated: 2026-06-17. Review status: criteria provided, single submitter. Criteria: Ambry Variant Classification Scheme 2023. Collection method: clinical testing. Allele origin: germline.
Comment: The c.3323C>T (p.P1108L) alteration is located in exon 38 (coding exon 38) of the COL4A1 gene. This alteration results from a C to T substitution at nucleotide position 3323, causing the proline (P) at amino acid position 1108 to be replaced by a leucine (L). Based on data from gnomAD, the T allele has an overall frequency of <0.001% (1/251300) total alleles studied. The highest observed frequency was 0.003% (1/30616) of South Asian alleles. Based on insufficient or conflicting evidence, the clinical significance of this alteration remains unclear.

Fulgent Genetics
Classification: Uncertain significance for Brain small vessel disease 1 with or without ocular anomalies; Retinal arterial tortuosity; Autosomal dominant familial hematuria-retinal arteriolar tortuosity-contractures syndrome; Hemorrhage, intracerebral, susceptibility to; Microangiopathy and leukoencephalopathy, pontine, autosomal dominant. Last evaluated: 2024-04-01. Review status: criteria provided, single submitter. Criteria: ACMG Guidelines, 2015. Collection method: clinical testing. Allele origin: germline.